The following is an entry in ClinVar:

NM_000252.3(MTM1):c.145G>A (p.Val49Ile)

Gene: MTM1 (myotubularin 1; plus strand). Cytogenetic location: Xq28.
Variant type: single nucleotide variant.
Coding change: c.145G>A on transcript NM_000252.3 (MANE Select); coding-DNA position 145, G replaced by A.
Protein change: p.Val49Ile; replaces valine 49 with isoleucine.
Molecular consequence: missense variant.
Genome position (GRCh38, 1-based): chrX:150,598,600, G>A. VCF-style: chrX-150598600-G-A. GRCh37 (hg19) VCF-style: chrX-149767064-G-A.
Other names: c.145G>A, p.Val49Ile (NM_001376906.1, NM_001376907.1, NM_001376908.1); short protein forms V49I.
Identifiers: ClinVar variation 158939 (VCV000158939.8), dbSNP rs587783796, ClinGen allele CA271826.

ClinVar aggregate classification (germline): Conflicting classifications of pathogenicity. Review status: criteria provided, conflicting classifications (1 of 4 stars). 2 submissions from 2 submitters: Pathogenic (1); Uncertain significance (1). Last evaluated 2021-08-30.

Conditions:
Severe X-linked myotubular myopathy (CNMX). Also called: MYOTUBULAR MYOPATHY 1; X-linked centronuclear myopathy; Myotubular myopathy, X-linked. Identifiers: Orphanet 596, MedGen C0410203, MONDO:0010683, OMIM 310400.

Submissions (2):

MGZ Medical Genetics Center
Classification: Uncertain significance for Severe X-linked myotubular myopathy. Last evaluated: 2021-08-30. Review status: criteria provided, single submitter. Criteria: ACMG Guidelines, 2015. Collection method: clinical testing. Allele origin: germline. Affected: yes. Observed: 1 variant allele.
Comment: ACMG criteria applied: PM5, PM2_SUP, PP3

Genetic Services Laboratory, University of Chicago
Classification: Pathogenic for Myotubular myopathy, X-linked. Last evaluated: 2013-02-08. Review status: criteria provided, single submitter. Criteria: ACMG Guidelines, 2007. Collection method: clinical testing. Allele origin: germline. Inheritance: X-linked inheritance. Affected: yes.